The following is an entry in ClinVar:

ClinVar aggregate classification (germline): Uncertain significance (1 of 4 stars; one submission).

gnomAD v4.1: 36 of 1,613,062 alleles (0.0022%); highest among the groups gnomAD compares: African/African-American, 0.0027%; no homozygotes.

Submission:

Labcorp Genetics (formerly Invitae), Labcorp
Classification: Uncertain significance. Last evaluated: 2025-07-30. Review status: criteria provided, single submitter. Criteria: Invitae Variant Classification Sherloc (09022015). Collection method: clinical testing. Allele origin: germline.
Comment: This sequence change replaces arginine, which is basic and polar, with tryptophan, which is neutral and slightly polar, at codon 696 of the PLG protein (p.Arg696Trp). This variant is present in population databases (rs144869703, gnomAD 0.002%). This variant has not been reported in the literature in individuals affected with PLG-related conditions. Invitae Evidence Modeling of protein sequence and biophysical properties (such as structural, functional, and spatial information, amino acid conservation, physicochemical variation, residue mobility, and thermodynamic stability) indicates that this missense variant is not expected to disrupt PLG protein function with a negative predictive value of 80%. In summary, the available evidence is currently insufficient to determine the role of this variant in disease. Therefore, it has been classified as a Variant of Uncertain Significance.

NM_000301.5(PLG):c.2086C>T (p.Arg696Trp)

Gene: PLG (plasminogen; plus strand). Cytogenetic location: 6q26.
Variant type: single nucleotide variant.
Coding change: c.2086C>T on transcript NM_000301.5 (MANE Select); coding-DNA position 2086, C replaced by T.
Protein change: p.Arg696Trp; replaces arginine 696 with tryptophan.
Molecular consequence: missense variant.
Genome position (GRCh38, 1-based): chr6:160,741,378, C>T. VCF-style: chr6-160741378-C-T. GRCh37 (hg19) VCF-style: chr6-161162410-C-T.
Other names: short protein forms R696W.
Identifiers: ClinVar variation 4797367 (VCV004797367.1).